The following is an entry in ClinVar:

ClinVar aggregate classification (germline): Uncertain significance (1 of 4 stars; one submission).

Conditions:
VPS13B-related disorder. Also called: VPS13B-related condition.

gnomAD v4.1: 3 of 1,614,134 alleles (0.00019%); highest among the groups gnomAD compares: Non-Finnish European, 0.00025%; no homozygotes.

Submission:

PreventionGenetics, part of Exact Sciences
Classification: Uncertain significance for VPS13B-related condition. Last evaluated: 2025-07-30. Review status: criteria provided, single submitter. Criteria: ACMG Guidelines, 2015. Collection method: clinical testing. Allele origin: germline.
Comment: The VPS13B c.11958G>C variant is predicted to result in the amino acid substitution p.Met3986Ile. To our knowledge, this variant has not been reported in the literature. This variant is reported in 0.00088% of alleles in individuals of European (Non-Finnish) descent in gnomAD. At this time, the clinical significance of this variant is uncertain due to the absence of conclusive functional and genetic evidence.

NM_152564.5(VPS13B):c.11958G>C (p.Met3986Ile)

Gene: VPS13B (vacuolar protein sorting 13 homolog B; plus strand). Cytogenetic location: 8q22.2.
Variant type: single nucleotide variant.
Coding change: c.11958G>C on transcript NM_152564.5 (MANE Select); coding-DNA position 11958, G replaced by C.
Protein change: p.Met3986Ile; replaces methionine 3986 with isoleucine.
Molecular consequence: missense variant.
Genome position (GRCh38, 1-based): chr8:99,875,630, G>C. VCF-style: chr8-99875630-G-C. GRCh37 (hg19) VCF-style: chr8-100887858-G-C.
Other names: c.12033G>C, p.Met4011Ile (NM_017890.5); short protein forms M3986I, M4011I.
Identifiers: ClinVar variation 3353770 (VCV003353770.2).